The following is an entry in ClinVar:

NM_000363.5(TNNI3):c.150+1G>C

Gene: TNNI3 (troponin I3, cardiac type; minus strand). Cytogenetic location: 19q13.42.
Variant type: single nucleotide variant.
Coding change: c.150+1G>C on transcript NM_000363.5 (MANE Select); the canonical splice donor site of the intron after coding-DNA position 150, G replaced by C.
Molecular consequence: splice donor variant.
Genome position (GRCh38, 1-based): chr19:55,156,602, C>G on the plus strand (G>C on the coding strand, the complement: TNNI3 is on the minus strand). VCF-style: chr19-55156602-C-G. GRCh37 (hg19) VCF-style: chr19-55667970-C-G.
Identifiers: ClinVar variation 968034 (VCV000968034.9), dbSNP rs2085732359, ClinGen allele CA407442343.

ClinVar aggregate classification (germline): Conflicting classifications of pathogenicity. Review status: criteria provided, conflicting classifications (1 of 4 stars). 2 submissions from 2 submitters: Likely pathogenic (1); Uncertain significance (1). Last evaluated 2024-04-17.

Conditions:
Hypertrophic cardiomyopathy. Also called: HYPERTROPHIC MYOCARDIOPATHY. Identifiers: Orphanet 217569, MedGen C0007194, MeSH D002312, MONDO:0005045, HP:0001639.

Allele frequency attached by ClinVar (database versions not stated): gnomAD exomes below 0.00001.
gnomAD v4.1: 1 of 1,563,068 alleles (0.000064%); highest among the groups gnomAD compares: Non-Finnish European, 0.000087%; no homozygotes.

Submissions (2):

Labcorp Genetics (formerly Invitae), Labcorp
Classification: Likely pathogenic for Hypertrophic cardiomyopathy. Last evaluated: 2024-04-17. Review status: criteria provided, single submitter. Criteria: Invitae Variant Classification Sherloc (09022015). Collection method: clinical testing. Allele origin: germline.
Comment: This sequence change affects a donor splice site in intron 4 of the TNNI3 gene. It is expected to disrupt RNA splicing. Variants that disrupt the donor or acceptor splice site typically lead to a loss of protein function (PMID: 16199547), and loss-of-function variants in TNNI3 are known to be pathogenic (PMID: 31568572, 34036930, 35838873). This variant is not present in population databases (gnomAD no frequency). This variant has not been reported in the literature in individuals affected with TNNI3-related conditions. ClinVar contains an entry for this variant (Variation ID: 968034). Algorithms developed to predict the effect of sequence changes on RNA splicing suggest that this variant may disrupt the consensus splice site. In summary, the currently available evidence indicates that the variant is pathogenic, but additional data are needed to prove that conclusively. Therefore, this variant has been classified as Likely Pathogenic.

All of Us Research Program, National Institutes of Health
Classification: Uncertain significance for Hypertrophic cardiomyopathy. Last evaluated: 2023-08-08. Review status: criteria provided, single submitter. Criteria: ACMG Guidelines, 2015. Collection method: clinical testing. Allele origin: germline. Inheritance: Autosomal dominant inheritance. Observed: 1 variant allele, 1 heterozygote.
Comment: This variant causes a G to C nucleotide substitution at the +1 position of intron 4 of the TNNI3 gene. Splice site prediction tools predict that this variant may have a significant impact on RNA splicing. Although this prediction has not been confirmed in published RNA studies, this variant is expected to result in an absent or disrupted protein product. To our knowledge, functional studies have not been reported for this variant. This variant has not been reported in individuals affected with TNNI3-related disorders in the literature. This variant has not been identified in the general population by the Genome Aggregation Database (gnomAD). Clinical relevance of loss-of-function TNNI3 splice and truncation variants in autosomal dominant cardiovascular disorders is not clearly established. The available evidence is insufficient to determine the role of this variant in disease conclusively. Therefore, this variant is classified as a Variant of Uncertain Significance.

This study involves interpretation of variants in research participants for the purpose of population health screening. Participant phenotype was not available at the time of variant classification. Additional details can be found in publication PMID: 35346344, PMCID: PMC8962531

Literature cited by the submitters: PubMed 16199547 (cited by Labcorp Genetics (formerly Invitae), Labcorp); PubMed 31568572 (cited by Labcorp Genetics (formerly Invitae), Labcorp); PubMed 34036930 (cited by Labcorp Genetics (formerly Invitae), Labcorp); PubMed 35838873 (cited by Labcorp Genetics (formerly Invitae), Labcorp).